The following is an entry in ClinVar:

NM_001818.5(AKR1C4):c.42C>G (p.His14Gln)

Gene: AKR1C4 (aldo-keto reductase family 1 member C4; plus strand). Cytogenetic location: 10p15.1.
Variant type: single nucleotide variant.
Coding change: c.42C>G on transcript NM_001818.5 (MANE Select); coding-DNA position 42, C replaced by G.
Protein change: p.His14Gln; replaces histidine 14 with glutamine.
Molecular consequence: missense variant.
Genome position (GRCh38, 1-based): chr10:5,196,909, C>G. VCF-style: chr10-5196909-C-G. GRCh37 (hg19) VCF-style: chr10-5238872-C-G.
Other names: short protein forms H14Q.
Identifiers: ClinVar variation 3052203 (VCV003052203.2), dbSNP rs528142092, ClinGen allele CA5391250.

ClinVar aggregate classification (germline): Likely benign (0 of 4 stars; one submission).

Conditions:
AKR1C4-related disorder. Also called: AKR1C4-related condition.

Allele frequency attached by ClinVar (database versions not stated): TOPMed 0.00002; gnomAD 0.00017; ExAC 0.00044; 1000 Genomes Project 30x 0.00078; 1000 Genomes Project 0.00080.
gnomAD v4.1: 378 of 1,614,014 alleles (0.023%); highest among the groups gnomAD compares: South Asian, 0.4%; 1 homozygote.

Submission:

PreventionGenetics, part of Exact Sciences
Classification: Likely benign for AKR1C4-related condition. Last evaluated: 2023-05-31. Review status: no assertion criteria provided. Collection method: clinical testing. Allele origin: germline.
Comment: This variant is classified as likely benign based on ACMG/AMP sequence variant interpretation guidelines (Richards et al. 2015 PMID: 25741868, with internal and published modifications).